The following is an entry in ClinVar:

ClinVar aggregate classification (germline): Likely benign (1 of 4 stars; one submission).

gnomAD v4.1: 3 of 1,614,224 alleles (0.00019%); highest among the groups gnomAD compares: Non-Finnish European, 0.00025%; no homozygotes.

Submission:

CeGaT Center for Human Genetics Tuebingen
Classification: Likely benign. Last evaluated: 2024-07-01. Review status: criteria provided, single submitter. Criteria: CeGaT Center For Human Genetics Tuebingen Variant Classification Criteria Version 2. Collection method: clinical testing. Allele origin: germline. Affected: yes. Observed: 1 variant allele.
Comment: FANCI: BP4, BP7

NM_001113378.2(FANCI):c.3612T>C (p.His1204=)

Gene: FANCI (FA complementation group I; plus strand). Cytogenetic location: 15q26.1.
Variant type: single nucleotide variant.
Coding change: c.3612T>C on transcript NM_001113378.2 (MANE Select); coding-DNA position 3612, T replaced by C.
Protein change: p.His1204=; no amino-acid change (histidine 1204 retained).
Molecular consequence: synonymous variant.
Genome position (GRCh38, 1-based): chr15:89,307,633, T>C. VCF-style: chr15-89307633-T-C. GRCh37 (hg19) VCF-style: chr15-89850864-T-C.
Other names: c.3333T>C, p.His1111= (NM_001376910.1); c.3612T>C, p.His1204= (NM_001376911.1); c.3432T>C, p.His1144= (NM_018193.3).
Identifiers: ClinVar variation 3257310 (VCV003257310.17).
Genomic context (GRCh38, chr15:89,307,633, plus strand): 5'-ACTGCTGGTTACATTGGTTTCCTTCTCCCTTGTTGTGCAGGTGAAGCTGTCTGGTTCTCA[T>C]CTGACCCCCCTGTGTTATTCTTTCATTTCTTACGTACAGGTAAGAGATTCAGAGGCAGTA-3'
Protein context (NP_001106849.1, residues 1194-1214): MEKLVKLSGS[His1204=]LTPLCYSFIS